The following is an entry in ClinVar:

NM_000069.3(CACNA1S):c.2350C>T (p.Pro784Ser)

Gene: CACNA1S (calcium voltage-gated channel subunit alpha1 S; minus strand). Cytogenetic location: 1q32.1.
Variant type: single nucleotide variant.
Coding change: c.2350C>T on transcript NM_000069.3 (MANE Select); coding-DNA position 2350, C replaced by T.
Protein change: p.Pro784Ser; replaces proline 784 with serine.
Molecular consequence: missense variant.
Genome position (GRCh38, 1-based): chr1:201,070,282, G>A on the plus strand (C>T on the coding strand, the complement: CACNA1S is on the minus strand). VCF-style: chr1-201070282-G-A. GRCh37 (hg19) VCF-style: chr1-201039410-G-A.
Other names: short protein forms P784S.
Identifiers: ClinVar variation 3762001 (VCV003762001.2).

ClinVar aggregate classification (germline): Uncertain significance (1 of 4 stars; one submission).

Conditions:
Hypokalemic periodic paralysis, type 1. Also called: Hypokalemic Periodic Paralysis Type 1 (AD); HypoPP. Identifiers: Orphanet 681, MedGen C3714580, MONDO:0042979, OMIM 170400.
Malignant hyperthermia, susceptibility to, 5 (MHS5). Also called: CACNA1S-Related Malignant Hyperthermia Susceptibility. Identifiers: Orphanet 423, MedGen C1866077, MONDO:0011163, OMIM 601887.

gnomAD v4.1: 1 of 1,613,988 alleles (0.000062%); highest among the groups gnomAD compares: Non-Finnish European, 0.000085%; no homozygotes.

Submission:

Labcorp Genetics (formerly Invitae), Labcorp
Classification: Uncertain significance for Hypokalemic periodic paralysis, type 1; Malignant hyperthermia, susceptibility to, 5. Last evaluated: 2024-05-05. Review status: criteria provided, single submitter. Criteria: Invitae Variant Classification Sherloc (09022015). Collection method: clinical testing. Allele origin: germline.
Comment: This sequence change replaces proline, which is neutral and non-polar, with serine, which is neutral and polar, at codon 784 of the CACNA1S protein (p.Pro784Ser). This variant is not present in population databases (gnomAD no frequency). This variant has not been reported in the literature in individuals affected with CACNA1S-related conditions. Advanced modeling of protein sequence and biophysical properties (such as structural, functional, and spatial information, amino acid conservation, physicochemical variation, residue mobility, and thermodynamic stability) performed at Invitae indicates that this missense variant is not expected to disrupt CACNA1S protein function with a negative predictive value of 80%. In summary, the available evidence is currently insufficient to determine the role of this variant in disease. Therefore, it has been classified as a Variant of Uncertain Significance.